The following is an entry in ClinVar:

NM_001042492.3(NF1):c.1892G>A (p.Gly631Glu)

Gene: NF1 (neurofibromin 1; plus strand). Cytogenetic location: 17q11.2.
Variant type: single nucleotide variant.
Coding change: c.1892G>A on transcript NM_001042492.3 (MANE Select); coding-DNA position 1892, G replaced by A.
Protein change: p.Gly631Glu; replaces glycine 631 with glutamic acid.
Molecular consequence: missense variant.
Genome position (GRCh38, 1-based): chr17:31,225,141, G>A. VCF-style: chr17-31225141-G-A. GRCh37 (hg19) VCF-style: chr17-29552159-G-A.
Other names: c.1892G>A, p.Gly631Glu (NM_000267.4); short protein forms G631E.
Identifiers: ClinVar variation 233228 (VCV000233228.13), dbSNP rs876660272, ClinGen allele CA10580234.

ClinVar aggregate classification (germline): Uncertain significance. Review status: criteria provided, multiple submitters, no conflicts (2 of 4 stars). 5 submissions from 4 submitters: Uncertain significance (5). Last evaluated 2025-11-17.

Conditions:
Cardiovascular phenotype. Identifiers: MedGen CN230736.
Hereditary cancer-predisposing syndrome. Also called: Tumor predisposition; Hereditary Cancer Syndrome; Hereditary neoplastic syndrome; Neoplastic Syndromes, Hereditary. Identifiers: Orphanet 140162, MedGen C0027672, MeSH D009386, MONDO:0015356.
Neurofibromatosis, type 1 (NF1). Also called: VON RECKLINGHAUSEN DISEASE; NEUROFIBROMATOSIS, TYPE I, SOMATIC; Peripheral type neurofibromatosis; Neurofibromatosis, type I. Identifiers: Orphanet 636, MedGen C0027831, MONDO:0018975, OMIM 162200. Disease mechanism: loss of function.
Juvenile myelomonocytic leukemia (JMML). Also called: LEUKEMIA, JUVENILE MYELOMONOCYTIC, SOMATIC. Identifiers: Orphanet 86834, MedGen C0349639, MONDO:0011908, OMIM 607785, HP:0012209.

Submissions (5):

Labcorp Genetics (formerly Invitae), Labcorp
Classification: Uncertain significance for Neurofibromatosis, type 1. Last evaluated: 2025-11-17. Review status: criteria provided, single submitter. Criteria: Invitae Variant Classification Sherloc (09022015). Collection method: clinical testing. Allele origin: germline.
Comment: This sequence change replaces glycine, which is neutral and non-polar, with glutamic acid, which is acidic and polar, at codon 631 of the NF1 protein (p.Gly631Glu). This variant is not present in population databases (gnomAD no frequency). This variant has not been reported in the literature in individuals affected with NF1-related conditions. ClinVar contains an entry for this variant (Variation ID: 233228). Invitae Evidence Modeling of protein sequence and biophysical properties (such as structural, functional, and spatial information, amino acid conservation, physicochemical variation, residue mobility, and thermodynamic stability) indicates that this missense variant is not expected to disrupt NF1 protein function with a negative predictive value of 95%. In summary, the available evidence is currently insufficient to determine the role of this variant in disease. Therefore, it has been classified as a Variant of Uncertain Significance.

Baylor Genetics
Classification: Uncertain significance for Juvenile myelomonocytic leukemia. Last evaluated: 2023-07-11. Review status: criteria provided, single submitter. Criteria: ACMG Guidelines, 2015. Collection method: clinical testing. Allele origin: unknown.

Ambry Genetics
Classification: Uncertain significance for Cardiovascular phenotype; Hereditary cancer-predisposing syndrome. Last evaluated: 2022-06-22. Review status: criteria provided, single submitter. Criteria: Ambry Variant Classification Scheme 2023. Collection method: clinical testing. Allele origin: germline.

Genome-Nilou Lab
Classification: Uncertain significance for Neurofibromatosis, type 1. Last evaluated: 2022-03-15. Review status: criteria provided, single submitter. Criteria: ACMG Guidelines, 2015. Collection method: clinical testing. Allele origin: germline. Affected: no.

Ambry Genetics
Classification: Uncertain significance for Hereditary cancer-predisposing syndrome. Last evaluated: 2015-08-03. Review status: criteria provided, single submitter. Criteria: Ambry Autosomal Dominant and X-Linked criteria (10/2015). Collection method: clinical testing. Allele origin: germline. Observed: 1 variant allele.
Comment: The p.G631E variant (also known as c.1892G>A), located in coding exon 17 of the NF1 gene, results from a G to A substitution at nucleotide position 1892. The glycine at codon 631 is replaced by glutamic acid, an amino acid with similar properties. This variant was not reported in population based cohorts in the following databases: Database of Single Nucleotide Polymorphisms (dbSNP), NHLBI Exome Sequencing Project (ESP), and 1000 Genomes Project. In the ESP, this variant was not observed in 6503 samples (13006 alleles) with coverage at this position. To date, this alteration has been detected with an allele frequency of approximately 0.002% (greater than 55000alleles tested) in our clinical cohort.This amino acid position is highly conserved in available vertebrate species. In addition, the in silico prediction for this alteration is inconclusive.Since supporting evidence is limited at this time, the clinical significance of p.G631Eremains unclear.